The following is an entry in ClinVar:

ClinVar aggregate classification (germline): Uncertain significance (1 of 4 stars; one submission).

Conditions:
GNE myopathy (NM). Also called: IBM 2; Inclusion body myopathy autosomal recessive; Inclusion body myopathy quadriceps sparing; MYOPATHY, DISTAL, WITH OR WITHOUT RIMMED VACUOLES; INCLUSION BODY MYOPATHY, HEREDITARY, AUTOSOMAL RECESSIVE; INCLUSION BODY MYOPATHY 2, AUTOSOMAL RECESSIVE. Identifiers: Orphanet 602, MedGen C1853926, MONDO:0011603, OMIM 605820.
Sialuria. Also called: Sialic Acid Storage Disease; SIALURIA, FRENCH TYPE. Identifiers: Orphanet 3166, MedGen C0342853, MONDO:0010028, OMIM 269921.

Submission:

Labcorp Genetics (formerly Invitae), Labcorp
Classification: Uncertain significance for Sialuria; GNE myopathy. Last evaluated: 2023-10-03. Review status: criteria provided, single submitter. Criteria: Invitae Variant Classification Sherloc (09022015). Collection method: clinical testing. Allele origin: germline.
Comment: This sequence change replaces phenylalanine, which is neutral and non-polar, with leucine, which is neutral and non-polar, at codon 69 of the GNE protein (p.Phe69Leu). This variant is not present in population databases (gnomAD no frequency). This variant has not been reported in the literature in individuals affected with GNE-related conditions. ClinVar contains an entry for this variant (Variation ID: 2129273). Advanced modeling of protein sequence and biophysical properties (such as structural, functional, and spatial information, amino acid conservation, physicochemical variation, residue mobility, and thermodynamic stability) has been performed at Invitae for this missense variant, however the output from this modeling did not meet the statistical confidence thresholds required to predict the impact of this variant on GNE protein function. In summary, the available evidence is currently insufficient to determine the role of this variant in disease. Therefore, it has been classified as a Variant of Uncertain Significance.

NM_005476.7(GNE):c.112T>C (p.Phe38Leu)

Gene: GNE (glucosamine (UDP-N-acetyl)-2-epimerase/N-acetylmannosamine kinase; minus strand). Cytogenetic location: 9p13.3.
Variant type: single nucleotide variant.
Coding change: c.112T>C on transcript NM_005476.7 (MANE Select); coding-DNA position 112, T replaced by C.
Protein change: p.Phe38Leu; replaces phenylalanine 38 with leucine.
Molecular consequence: missense variant. On other transcripts: intron variant (3).
Genome position (GRCh38, 1-based): chr9:36,249,244, A>G on the plus strand (T>C on the coding strand, the complement: GNE is on the minus strand). VCF-style: chr9-36249244-A-G. GRCh37 (hg19) VCF-style: chr9-36249241-A-G.
Other names: c.205T>C, p.Phe69Leu (NM_001128227.3); c.112T>C, p.Phe38Leu (NM_001190383.3, NM_001374797.1); c.-13-2762T>C (NM_001190388.2, NM_001190384.3, NM_001374798.1); short protein forms F69L, F38L.
Identifiers: ClinVar variation 2129273 (VCV002129273.4), dbSNP rs2489809854, ClinGen allele CA373421748.